The following is an entry in ClinVar:

ClinVar aggregate classification (germline): Pathogenic (1 of 4 stars; one submission).

Submission:

CeGaT Center for Human Genetics Tuebingen
Classification: Pathogenic. Last evaluated: 2022-05-01. Review status: criteria provided, single submitter. Criteria: CeGaT Center For Human Genetics Tuebingen Variant Classification Criteria Version 2. Collection method: clinical testing. Allele origin: germline. Affected: yes. Observed: 1 variant allele.
Comment: SIX3: PVS1, PS2, PM2

NM_005413.4(SIX3):c.406_407dup (p.Val137fs)

Gene: SIX3 (SIX homeobox 3; plus strand). Cytogenetic location: 2p21.
Variant type: Microsatellite.
Coding change: c.406_407dup on transcript NM_005413.4 (MANE Select); coding-DNA positions 406 to 407, 2 bases duplicated (GC; older notation c.406_407dupGC).
Protein change: p.Val137fs; shifts the reading frame from valine 137.
Molecular consequence: frameshift variant.
Genome position (GRCh38, 1-based): chr2:44,942,510-44,942,511, GC duplicated; duplicating any 2 consecutive bases within chr2:44,942,500-44,942,511 gives the same sequence; the c. name uses the placement nearest the transcript's 3' end. VCF-style (leftmost placement, unchanged base first): chr2-44942499-T-TGC. GRCh37 (hg19) VCF-style: chr2-45169638-T-TGC.
Other names: G69D; short protein forms V137fs.
Identifiers: ClinVar variation 487086 (VCV000487086.32), dbSNP rs753473749, ClinGen allele CA658657030.